The following is an entry in ClinVar:

NM_002382.5(MAX):c.271C>T (p.Gln91Ter)

Gene: MAX (MYC associated transcriptional regulator X; minus strand). Cytogenetic location: 14q23.3.
Variant type: single nucleotide variant.
Coding change: c.271C>T on transcript NM_002382.5 (MANE Select); coding-DNA position 271, C replaced by T.
Protein change: p.Gln91Ter; replaces glutamine 91 with a stop codon.
Molecular consequence: nonsense. On other transcripts: 5 prime UTR variant (1), intron variant (2).
Genome position (GRCh38, 1-based): chr14:65,077,937, G>A on the plus strand (C>T on the coding strand, the complement: MAX is on the minus strand). VCF-style: chr14-65077937-G-A. GRCh37 (hg19) VCF-style: chr14-65544655-G-A.
Other names: c.-4C>T (NM_001320415.2, NM_001407105.1, NM_001407106.1 and 1 more transcripts); c.271C>T, p.Gln91Ter (NM_001407094.1, NM_001407096.1, NM_001407097.1 and 3 more transcripts); c.244C>T, p.Gln82Ter (NM_001407095.1, NM_001407099.1, NM_001407100.1 and 6 more transcripts); c.163C>T, p.Gln55Ter (NM_001407098.1); c.-97C>T (NM_001407111.1, NM_001407112.1); c.144+15771C>T (NM_001271069.2); c.171+15771C>T (NM_197957.4); short protein forms Q55*, Q91*, Q82*.
Identifiers: ClinVar variation 1795169 (VCV001795169.4), dbSNP rs2139752868, ClinGen allele CA390035502.

ClinVar aggregate classification (germline): Pathogenic. Review status: criteria provided, multiple submitters, no conflicts (2 of 4 stars). 2 submissions from 2 submitters: Pathogenic (2). Last evaluated 2024-10-12.

Conditions:
Hereditary cancer-predisposing syndrome. Also called: Tumor predisposition; Hereditary Cancer Syndrome; Hereditary neoplastic syndrome; Neoplastic Syndromes, Hereditary. Identifiers: Orphanet 140162, MedGen C0027672, MeSH D009386, MONDO:0015356.
Hereditary pheochromocytoma and paraganglioma. Also called: Hereditary paragangliomas and pheochromocytomas; Hereditary Paraganglioma-Pheochromocytoma Syndromes; Hereditary pheochromocytoma-paraganglioma. Identifiers: Orphanet 29072, MedGen C4274332, MONDO:0017366.

Submissions (2):

Labcorp Genetics (formerly Invitae), Labcorp
Classification: Pathogenic for Hereditary pheochromocytoma and paraganglioma. Last evaluated: 2024-10-12. Review status: criteria provided, single submitter. Criteria: Invitae Variant Classification Sherloc (09022015). Collection method: clinical testing. Allele origin: germline.
Comment: This sequence change creates a premature translational stop signal (p.Gln91*) in the MAX gene. While this is not anticipated to result in nonsense mediated decay, it is expected to disrupt the last 70 amino acid(s) of the MAX protein. This variant is not present in population databases (gnomAD no frequency). This premature translational stop signal has been observed in individual(s) with pheochromocytoma (PMID: 33493868). ClinVar contains an entry for this variant (Variation ID: 1795169). This variant disrupts the C-terminal domain of the MAX protein, which is essential for protein localization to the nucleus and suppression of MYC transactivation activity (PMID: 1459463, 1730412, 7630640). While functional studies have not been performed to directly test the effect of this variant on MAX protein function, this suggests that disruption of this region of the protein is causative of disease. This variant disrupts a region of the MAX protein in which other variant(s) (p.Gln97*) have been determined to be pathogenic (PMID: 29909963; internal data). This suggests that this is a clinically significant region of the protein, and that variants that disrupt it are likely to be disease-causing. For these reasons, this variant has been classified as Pathogenic.

Ambry Genetics
Classification: Pathogenic for Hereditary cancer-predisposing syndrome. Last evaluated: 2020-02-17. Review status: criteria provided, single submitter. Criteria: Ambry Variant Classification Scheme 2023. Collection method: clinical testing. Allele origin: germline.
Comment: The p.Q91* pathogenic mutation (also known as c.271C>T), located in coding exon 4 of the MAX gene, results from a C to T substitution at nucleotide position 271. This changes the amino acid from a glutamine to a stop codon within coding exon 4. This alteration is expected to result in loss of function by premature protein truncation or nonsense-mediated mRNA decay. As such, this alteration is interpreted as a disease-causing mutation.

Literature cited by the submitters: PubMed 33493868 (cited by Labcorp Genetics (formerly Invitae), Labcorp); PubMed 1459463 (cited by Labcorp Genetics (formerly Invitae), Labcorp); PubMed 1730412 (cited by Labcorp Genetics (formerly Invitae), Labcorp); PubMed 7630640 (cited by Labcorp Genetics (formerly Invitae), Labcorp); PubMed 29909963 (cited by Labcorp Genetics (formerly Invitae), Labcorp).